The following is an entry in ClinVar:

NM_052963.3(TOP1MT):c.331C>T (p.Arg111Trp)

Gene: TOP1MT (DNA topoisomerase I mitochondrial; minus strand). Cytogenetic location: 8q24.3.
Variant type: single nucleotide variant.
Coding change: c.331C>T on transcript NM_052963.3 (MANE Select); coding-DNA position 331, C replaced by T.
Protein change: p.Arg111Trp; replaces arginine 111 with tryptophan.
Molecular consequence: missense variant.
Genome position (GRCh38, 1-based): chr8:143,329,379, G>A on the plus strand (C>T on the coding strand, the complement: TOP1MT is on the minus strand). VCF-style: chr8-143329379-G-A. GRCh37 (hg19) VCF-style: chr8-144411549-G-A.
Other names: c.37C>T, p.Arg13Trp (NM_001258446.1, NM_001258447.1); short protein forms R111W, R13W.
Identifiers: ClinVar variation 2298282 (VCV002298282.6), dbSNP rs201231510, ClinGen allele CA4908904.

ClinVar aggregate classification (germline): Uncertain significance. Review status: criteria provided, multiple submitters, no conflicts (2 of 4 stars). 2 submissions from 2 submitters: Uncertain significance (2). Last evaluated 2024-04-01.

Allele frequency attached by ClinVar (database versions not stated): ExAC 0.00017; TOPMed 0.00030; ESP Exome Variant Server 0.00031; gnomAD 0.00031; gnomAD exomes 0.00069.
gnomAD v4.1: 1,029 of 1,607,222 alleles (0.064%); highest among the groups gnomAD compares: Non-Finnish European, 0.082%; 4 homozygotes.

Submissions (2):

Ambry Genetics
Classification: Uncertain significance. Last evaluated: 2024-04-01. Review status: criteria provided, single submitter. Criteria: Ambry Variant Classification Scheme 2023. Collection method: clinical testing. Allele origin: germline.

Labcorp Genetics (formerly Invitae), Labcorp
Classification: Uncertain significance. Last evaluated: 2023-12-26. Review status: criteria provided, single submitter. Criteria: Invitae Variant Classification Sherloc (09022015). Collection method: clinical testing. Allele origin: germline.
Comment: This sequence change replaces arginine, which is basic and polar, with tryptophan, which is neutral and slightly polar, at codon 111 of the TOP1MT protein (p.Arg111Trp). This variant is present in population databases (rs201231510, gnomAD 0.06%), and has an allele count higher than expected for a pathogenic variant. This missense change has been observed in individual(s) with spinocerebellar ataxia (PMID: 35422034). ClinVar contains an entry for this variant (Variation ID: 2298282). Advanced modeling of protein sequence and biophysical properties (such as structural, functional, and spatial information, amino acid conservation, physicochemical variation, residue mobility, and thermodynamic stability) has been performed at Invitae for this missense variant, however the output from this modeling did not meet the statistical confidence thresholds required to predict the impact of this variant on TOP1MT protein function. Experimental studies have shown that this missense change affects TOP1MT function (PMID: 35422034). In summary, the available evidence is currently insufficient to determine the role of this variant in disease. Therefore, it has been classified as a Variant of Uncertain Significance.

Literature cited by the submitters: PubMed 35422034 (cited by Labcorp Genetics (formerly Invitae), Labcorp).